The following is an entry in ClinVar:

NM_000038.6(APC):c.135+1G>T

Gene: APC (APC regulator of Wnt signaling pathway; plus strand). Cytogenetic location: 5q22.2.
Variant type: single nucleotide variant.
Coding change: c.135+1G>T on transcript NM_000038.6 (MANE Select); the canonical splice donor site of the intron after coding-DNA position 135, G replaced by T.
Molecular consequence: splice donor variant. On other transcripts: intron variant (11).
Genome position (GRCh38, 1-based): chr5:112,755,026, G>T. VCF-style: chr5-112755026-G-T. GRCh37 (hg19) VCF-style: chr5-112090723-G-T.
Other names: c.-901+1G>T (NM_001407470.1, NM_001407472.1, NM_001354906.2 and 1 more transcripts); c.135+1G>T (NM_001407447.1, NM_001354895.2, NM_001407456.1 and 16 more transcripts); c.166-11300G>T (NM_001407446.1, NM_001354897.2, NM_001354902.2 and 1 more transcripts); c.-42-11300G>T (NM_001407453.1, NM_001354900.2, NM_001354901.2 and 1 more transcripts); c.61-11300G>T (NM_001407451.1, NM_001354898.2, NM_001354904.2).
Identifiers: ClinVar variation 482476 (VCV000482476.15), dbSNP rs750508765, ClinGen allele CA360617454.

ClinVar aggregate classification (germline): Likely pathogenic. Review status: criteria provided, multiple submitters, no conflicts (2 of 4 stars). 4 submissions from 4 submitters: Likely pathogenic (4). Last evaluated 2025-01-03.

Conditions:
Hereditary cancer-predisposing syndrome. Also called: Neoplastic Syndromes, Hereditary; Tumor predisposition; Hereditary Cancer Syndrome; Hereditary neoplastic syndrome. Identifiers: Orphanet 140162, MedGen C0027672, MeSH D009386, MONDO:0015356.
Familial adenomatous polyposis 1 (FAP1). Also called: FAMILIAL ADENOMATOUS POLYPOSIS 1, ATTENUATED; POLYPOSIS, ADENOMATOUS INTESTINAL. Identifiers: MedGen C2713442, MONDO:0021056, OMIM 175100. Disease mechanism: loss of function.

Submissions (4):

Ambry Genetics
Classification: Likely pathogenic for Hereditary cancer-predisposing syndrome. Last evaluated: 2025-01-03. Review status: criteria provided, single submitter. Criteria: Ambry Variant Classification Scheme 2023. Collection method: clinical testing. Allele origin: germline.
Comment: The c.135+1G>T intronic variant results from a G to T substitution one nucleotide after coding exon 1 of the APC gene. This variant is considered to be rare based on population cohorts in the Genome Aggregation Database (gnomAD). This nucleotide position is highly conserved in available vertebrate species. In silico splice site analysis predicts that this alteration will weaken the native splice donor site. RNA studies have demonstrated that this alteration results in abnormal splicing in the set of samples tested (Ambry internal data). Alterations that disrupt the canonical splice site are expected to cause aberrant splicing, resulting in an abnormal protein or a transcript that is subject to nonsense-mediated mRNA decay. As such, this alteration is classified as likely pathogenic. However, variants at this splice site are associated with an attenuated phenotype and may have reduced penetrance compared to classic familial adenomatous polyposis syndrome. Clinical correlation is advised.

Myriad Genetics, Inc.
Classification: Likely pathogenic for Familial adenomatous polyposis 1. Last evaluated: 2023-04-24. Review status: criteria provided, single submitter. Criteria: Myriad Autosomal Dominant, Autosomal Recessive and X-Linked Classification Criteria (2023). Collection method: clinical testing. Allele origin: unknown.
Comment: This variant is considered likely pathogenic. This variant occurs within a consensus splice junction and is predicted to result in abnormal mRNA splicing of either an out-of-frame exon or an in-frame exon necessary for protein stability and/or normal function.

Labcorp Genetics (formerly Invitae), Labcorp
Classification: Likely pathogenic for Familial adenomatous polyposis 1. Last evaluated: 2022-04-13. Review status: criteria provided, single submitter. Criteria: Invitae Variant Classification Sherloc (09022015). Collection method: clinical testing. Allele origin: germline.
Comment: This variant has not been reported in the literature in individuals affected with APC-related conditions. In summary, the currently available evidence indicates that the variant is pathogenic, but additional data are needed to prove that conclusively. Therefore, this variant has been classified as Likely Pathogenic. Studies have shown that disruption of this splice site results in intronic inclusion and introduces a premature termination codon (Invitae). The resulting mRNA is expected to undergo nonsense-mediated decay. ClinVar contains an entry for this variant (Variation ID: 482476). This variant is not present in population databases (gnomAD no frequency). This sequence change affects a donor splice site in intron 2 of the APC gene. RNA analysis indicates that disruption of this splice site induces altered splicing and may result in an absent or disrupted protein product.

Quest Diagnostics Nichols Institute San Juan Capistrano
Classification: Likely pathogenic. Last evaluated: 2017-09-06. Review status: criteria provided, single submitter. Criteria: Quest Diagnostics criteria. Collection method: clinical testing. Allele origin: germline.